The following is an entry in ClinVar:

NM_000059.4(BRCA2):c.656C>T (p.Thr219Ile)

Gene: BRCA2 (BRCA2 DNA repair associated; plus strand). Cytogenetic location: 13q13.1.
Variant type: single nucleotide variant.
Coding change: c.656C>T on transcript NM_000059.4 (MANE Select); coding-DNA position 656, C replaced by T.
Protein change: p.Thr219Ile; replaces threonine 219 with isoleucine.
Molecular consequence: missense variant.
Genome position (GRCh38, 1-based): chr13:32,329,467, C>T. VCF-style: chr13-32329467-C-T. GRCh37 (hg19) VCF-style: chr13-32903604-C-T.
Other names: c.656C>T (NM_000059.3); short protein forms T219I.
Identifiers: ClinVar variation 1054705 (VCV001054705.8), dbSNP rs2072373199, ClinGen allele CA387759448.

ClinVar aggregate classification (germline): Conflicting classifications of pathogenicity. Review status: criteria provided, conflicting classifications (1 of 4 stars). 3 submissions from 3 submitters: Uncertain significance (2); Likely benign (1). Last evaluated 2024-05-08.

Conditions:
Hereditary breast ovarian cancer syndrome. Also called: Hereditary breast and ovarian cancer syndrome; BRCA1- and BRCA2-Associated Hereditary Breast and Ovarian Cancer; Breast and ovarian cancer; Hereditary breast and/or ovarian cancer syndrome; Hereditary breast and ovarian cancer; Hereditary breast and ovarian cancer syndrome (HBOC). Identifiers: Orphanet 145, MedGen C0677776, MeSH D061325, MONDO:0003582. Disease mechanism: loss of function.
Hereditary cancer-predisposing syndrome. Also called: Hereditary Cancer Syndrome; Tumor predisposition; Hereditary neoplastic syndrome; Neoplastic Syndromes, Hereditary. Identifiers: Orphanet 140162, MedGen C0027672, MeSH D009386, MONDO:0015356.
Breast-ovarian cancer, familial, susceptibility to, 2 (BROVCA2). Also called: BRCA2 Hereditary Breast and Ovarian Cancer. Identifiers: Orphanet 145, MedGen C2675520, MONDO:0012933, OMIM 612555. Disease mechanism: loss of function.

Submissions (3):

Ambry Genetics
Classification: Likely benign for Hereditary cancer-predisposing syndrome. Last evaluated: 2024-05-08. Review status: criteria provided, single submitter. Criteria: Ambry Variant Classification Scheme 2023. Collection method: clinical testing. Allele origin: germline.

All of Us Research Program, National Institutes of Health
Classification: Uncertain significance for Breast-ovarian cancer, familial, susceptibility to, 2. Last evaluated: 2023-05-16. Review status: criteria provided, single submitter. Criteria: ACMG Guidelines, 2015. Collection method: clinical testing. Allele origin: germline. Inheritance: Autosomal dominant inheritance. Observed: 1 variant allele, 1 heterozygote.
Comment: This missense variant replaces threonine with isoleucine at codon 219 of the BRCA2 protein. Computational prediction suggests that this variant may not impact protein structure and function (internally defined REVEL score threshold <= 0.5, PMID: 27666373). To our knowledge, functional studies have not been reported for this variant. This variant has not been reported in individuals affected with BRCA2-related disorders in the literature. This variant has not been identified in the general population by the Genome Aggregation Database (gnomAD). The available evidence is insufficient to determine the role of this variant in disease conclusively. Therefore, this variant is classified as a Variant of Uncertain Significance.

This study involves interpretation of variants in research participants for the purpose of population health screening. Participant phenotype was not available at the time of variant classification. Additional details can be found in publication PMID: 35346344, PMCID: PMC8962531

Labcorp Genetics (formerly Invitae), Labcorp
Classification: Uncertain significance for Hereditary breast ovarian cancer syndrome. Last evaluated: 2021-08-31. Review status: criteria provided, single submitter. Criteria: Invitae Variant Classification Sherloc (09022015). Collection method: clinical testing. Allele origin: germline.
Comment: This sequence change replaces threonine with isoleucine at codon 219 of the BRCA2 protein (p.Thr219Ile). The threonine residue is weakly conserved and there is a moderate physicochemical difference between threonine and isoleucine. This variant is not present in population databases (ExAC no frequency). This variant has not been reported in the literature in individuals affected with BRCA2-related conditions. Algorithms developed to predict the effect of missense changes on protein structure and function output the following: SIFT: "Tolerated"; PolyPhen-2: "Benign"; Align-GVGD: "Class C0". The isoleucine amino acid residue is found in multiple mammalian species, which suggests that this missense change does not adversely affect protein function. In summary, the available evidence is currently insufficient to determine the role of this variant in disease. Therefore, it has been classified as a Variant of Uncertain Significance.